The following is an entry in ClinVar:

NM_000548.5(TSC2):c.3397+5G>A

Gene: TSC2 (TSC complex subunit 2; plus strand). Cytogenetic location: 16p13.3.
Variant type: single nucleotide variant.
Coding change: c.3397+5G>A on transcript NM_000548.5 (MANE Select); 5 bases into the intron after coding-DNA position 3397, G replaced by A.
Molecular consequence: intron variant.
Genome position (GRCh38, 1-based): chr16:2,079,674, G>A. VCF-style: chr16-2079674-G-A. GRCh37 (hg19) VCF-style: chr16-2129675-G-A.
Other names: c.3397+5G>A (NM_001114382.3); c.3268+5G>A (NM_021055.3, NM_001370405.1, NM_001363528.2); c.3265+5G>A (NM_001370404.1, NM_001077183.3); c.3157+5G>A (NM_001318827.2); c.2665+5G>A (NM_001318831.2); c.3121+5G>A (NM_001318829.2); c.3298+5G>A (NM_001318832.2).
Identifiers: ClinVar variation 50075 (VCV000050075.7), dbSNP rs45501492, ClinGen allele CA019083.

ClinVar aggregate classification (germline): Conflicting classifications of pathogenicity. Review status: criteria provided, conflicting classifications (1 of 4 stars). 3 submissions from 3 submitters: Pathogenic (1); Uncertain significance (1). 1 of the submissions does not count toward it. Last evaluated 2022-06-19.

Conditions:
Tuberous sclerosis 2 (TSC2). Identifiers: Orphanet 805, MedGen C1860707, MONDO:0013199, OMIM 613254.
Tuberous sclerosis syndrome (TSC). Also called: Tuberous Sclerosis Complex; Tuberous sclerosis. Identifiers: Orphanet 805, MedGen C0041341, MONDO:0001734.

Submissions (3):

Labcorp Genetics (formerly Invitae), Labcorp
Classification: Uncertain significance for Tuberous sclerosis 2. Last evaluated: 2022-06-19. Review status: criteria provided, single submitter. Criteria: Invitae Variant Classification Sherloc (09022015). Collection method: clinical testing. Allele origin: germline.
Comment: In summary, the available evidence is currently insufficient to determine the role of this variant in disease. Therefore, it has been classified as a Variant of Uncertain Significance. This sequence change falls in intron 29 of the TSC2 gene. It does not directly change the encoded amino acid sequence of the TSC2 protein. It affects a nucleotide within the consensus splice site. This variant is not present in population databases (gnomAD no frequency). This variant has been observed in individual(s) with tuberous sclerosis complex (PMID: 33391346). ClinVar contains an entry for this variant (Variation ID: 50075). Variants that disrupt the consensus splice site are a relatively common cause of aberrant splicing (PMID: 17576681, 9536098). Algorithms developed to predict the effect of sequence changes on RNA splicing suggest that this variant may disrupt the consensus splice site.

GeneDx
Classification: Pathogenic. Last evaluated: 2015-01-16. Review status: criteria provided, single submitter. Criteria: GeneDx Variant Classification (06012015). Collection method: clinical testing. Allele origin: germline. Affected: yes.
Comment: c.3397+5 G>A: IVS29+5 G>A in intron 29 of the TSC2 gene (NM_000548.3) The c.3397+5 G>A splice site mutation in the TSC2 gene has been previously reported in association with tuberous sclerosis (TSC2 LOVD). This mutation destroys the natural splice donor site in intron 29, and is expected to cause abnormal gene splicing. The variant is found in TUBSC-EPIV2-1 panel(s).

Tuberous sclerosis database (TSC2)
No classification provided. Condition: TSC. Review status: no classification provided. Criteria: Tuberous Sclerosis Database Assertion Criteria 2015. Collection method: curation. Allele origin: germline. Affected: yes. Not counted in ClinVar's aggregate classification.

Literature cited by the submitters: PubMed 33391346 (cited by Labcorp Genetics (formerly Invitae), Labcorp); PubMed 17576681 (cited by Labcorp Genetics (formerly Invitae), Labcorp); PubMed 9536098 (cited by Labcorp Genetics (formerly Invitae), Labcorp).